The following is an entry in ClinVar:

ClinVar aggregate classification (germline): Pathogenic/Likely pathogenic. Review status: criteria provided, multiple submitters, no conflicts (2 of 4 stars). 15 submissions from 15 submitters: Pathogenic (10); Likely pathogenic (4). 1 of the submissions does not count toward it. Last evaluated 2026-08-06.

Conditions:
MRE11-related disorder. Also called: MRE11-related condition.
Ataxia-telangiectasia-like disorder (ATLD). Identifiers: MedGen C1858391, MONDO:0011457.
Hereditary cancer-predisposing syndrome. Also called: Neoplastic Syndromes, Hereditary; Hereditary Cancer Syndrome; Tumor predisposition; Hereditary neoplastic syndrome. Identifiers: Orphanet 140162, MedGen C0027672, MeSH D009386, MONDO:0015356.
Hereditary breast ovarian cancer syndrome. Also called: BRCA1- and BRCA2-Associated Hereditary Breast and Ovarian Cancer; Hereditary breast and ovarian cancer syndrome; Hereditary breast and ovarian cancer syndrome (HBOC); Hereditary breast and/or ovarian cancer syndrome; Hereditary breast and ovarian cancer; Breast and ovarian cancer. Identifiers: Orphanet 145, MedGen C0677776, MeSH D061325, MONDO:0003582. Disease mechanism: loss of function.
Ataxia-telangiectasia-like disorder 1 (ATLD1). Identifiers: Orphanet 251347, MedGen C4012790, MONDO:0024557, OMIM 604391.

Allele frequency attached by ClinVar (database versions not stated): ExAC 0.00001; gnomAD 0.00003 and 0.00004; gnomAD exomes 0.00004 and 0.00003; TOPMed 0.00003.

Submissions (15):

OLLIN Analises Genomicas, OLLIN
Classification: Likely pathogenic for Ataxia-telangiectasia-like disorder 1. Last evaluated: 2026-08-06. Review status: criteria provided, single submitter. Criteria: ACMG Guidelines 2015 PMID 25741868. Collection method: clinical testing. Allele origin: germline.
Comment: This nonsense variant, located in exon 14 (of 20), has been reported in ClinVar (accession VCV000186164.6), in gnomAD with an allele frequency of 0.0039%, and in the scientific literature in individuals with MRE11 related disorders (PMID: 24763289, 26786923, 26845104, 28125075). This variant introduces a premature stop codon, which is predicted to result in either a truncated protein or degradation of the mRNA via nonsense-mediated decay (NMD). According to the currently available evidence, this variant has been classified as likely pathogenic (PVS1, PM2_P).

PreventionGenetics, part of Exact Sciences
Classification: Likely pathogenic for MRE11-related condition. Last evaluated: 2026-07-20. Review status: criteria provided, single submitter. Criteria: ACMG Guidelines, 2015. Collection method: clinical testing. Allele origin: germline.
Comment: The MRE11 c.1516G>T variant is predicted to result in premature protein termination (p.Glu506*). This variant has been reported in individuals with breast, lung, ovarian, and pancreatic cancer (Supplementary Table 3, Fasching et al. 2024. PubMed ID: 39003306; Table S10, Ghazani et al. 2017. PubMed ID: 28125075; Table S7, Lilyquist et al. 2017. PubMed ID: 28888541; Young et al. 2018. PubMed ID: 29945567; Elkholi et al. 2021. PubMed ID: 33510186). In a case-control study, this variant was not found in any cases with breast, ovarian, or endometrial cancer, but was found in controls (Elkholi et al. 2021. PubMed ID: 33510186). It has also been reported along with a second MRE11 variant in two siblings with ataxia telangiectasia-like disorders type 1 (Raslan et al. 2020. PubMed ID: 33426167). This variant is reported in 0.0057% of alleles in individuals of Latino descent in gnomAD. The majority of submitters in ClinVar classify this variant as likely pathogenic/pathogenic (ClinVar ID: 140941). Nonsense variants in MRE11 are expected to be pathogenic. This variant is interpreted as likely pathogenic.

Department of Genomics, ADN Uruguay
Classification: Likely pathogenic for Hereditary breast ovarian cancer syndrome. Last evaluated: 2025-06-25. Review status: criteria provided, single submitter. Criteria: Assertion Criteria Germline. Collection method: clinical testing. Allele origin: germline. Inheritance: Autosomal dominant inheritance. Affected: yes. Observed: 1 variant allele.
Comment: The MRE11A c.1516G>T (p.Glu506*) variant introduces a premature stop codon in exon 14, predicted to result in nonsense-mediated decay or a truncated nonfunctional protein (PVS1). This gene is known to be associated with homologous recombination repair and cancer susceptibility. The variant is absent from population databases, including 1000 Genomes (PM2), and MRE11A loss-of-function is a known disease mechanism for hereditary breast and ovarian cancer (PMID:24894818). Based on ACMG/AMP (2015) guidelines (PVS1 + PM2 + PP3), this variant is classified as Likely Pathogenic.

Dasa
Classification: Pathogenic. Last evaluated: 2025-06-16. Review status: criteria provided, single submitter. Criteria: DASA Assertion Criteria. Collection method: clinical testing. Allele origin: germline.
Comment: NM_005591.4(MRE11):c.1516G>T (p.Glu506Ter) introduces a premature termination codon predicted to result in loss of normal protein function. Loss-of-function is an established mechanism of disease for this gene. This variant has been reported in individuals with related phenotype (PMID: 33426167). The variant is present at low frequency in population datasets. Based on the available data, this variant is classified as pathogenic.

GeneDx
Classification: Pathogenic. Last evaluated: 2025-04-27. Review status: criteria provided, single submitter. Criteria: GeneDx Variant Classification Process June 2021. Collection method: clinical testing. Allele origin: germline. Affected: yes.
Comment: Nonsense variant predicted to result in protein truncation or nonsense mediated decay in a gene for which loss of function is a known mechanism of disease; Not observed at significant frequency in large population cohorts (gnomAD); This variant is associated with the following publications: (PMID: 29922827, 28888541, 24763289, 28125075, 29945567, 35534704, 35969835, 30625039, 26786923, 33510186, 26845104, 25646624, 32581363, 37808486, 33426167)

Labcorp Genetics (formerly Invitae), Labcorp
Classification: Pathogenic for Ataxia-telangiectasia-like disorder. Last evaluated: 2024-04-29. Review status: criteria provided, single submitter. Criteria: Invitae Variant Classification Sherloc (09022015). Collection method: clinical testing. Allele origin: germline.
Comment: This sequence change creates a premature translational stop signal (p.Glu506*) in the MRE11 gene. It is expected to result in an absent or disrupted protein product. Loss-of-function variants in MRE11 are known to be pathogenic (PMID: 23080121, 23912341). This variant is present in population databases (rs587781384, gnomAD 0.006%). This premature translational stop signal has been observed in individual(s) with breast or ovarian cancer, fallopian tube cancer, and lung cancer (PMID: 24763289, 26786923, 26845104, 28125075). ClinVar contains an entry for this variant (Variation ID: 140941). For these reasons, this variant has been classified as Pathogenic.

CeGaT Center for Human Genetics Tuebingen
Classification: Pathogenic. Last evaluated: 2024-03-01. Review status: criteria provided, single submitter. Criteria: CeGaT Center For Human Genetics Tuebingen Variant Classification Criteria Version 2. Collection method: clinical testing. Allele origin: germline. Affected: yes. Observed: 3 variant alleles.
Comment: MRE11: PVS1, PM2

Baylor Genetics
Classification: Likely pathogenic for Ataxia-telangiectasia-like disorder 1. Last evaluated: 2024-02-14. Review status: criteria provided, single submitter. Criteria: ACMG Guidelines, 2015. Collection method: clinical testing. Allele origin: unknown.

Women's Health and Genetics/Laboratory Corporation of America, LabCorp
Classification: Pathogenic for Ataxia-telangiectasia-like disorder. Last evaluated: 2024-02-05. Review status: criteria provided, single submitter. Criteria: LabCorp Variant Classification Summary - May 2015. Collection method: clinical testing. Allele origin: germline.
Comment: Variant summary: MRE11 c.1516G>T (p.Glu506X) results in a premature termination codon, predicted to cause a truncation of the encoded protein or absence of the protein due to nonsense mediated decay, which are commonly known mechanisms for disease. The variant allele was found at a frequency of 3.2e-05 in 250580 control chromosomes. c.1516G>T has been reported in the literature in individuals affected with Ataxia Telangiectasia-Like Disorder (Raslan_2021) . To our knowledge, no experimental evidence demonstrating an impact on protein function has been reported. The following publication have been ascertained in the context of this evaluation (PMID: 33426167). ClinVar contains an entry for this variant (Variation ID: 140941). Based on the evidence outlined above, the variant was classified as pathogenic.

Ambry Genetics
Classification: Pathogenic for Hereditary cancer-predisposing syndrome. Last evaluated: 2023-12-13. Review status: criteria provided, single submitter. Criteria: Ambry Variant Classification Scheme 2023. Collection method: clinical testing. Allele origin: germline.
Comment: The p.E506* pathogenic mutation (also known as c.1516G>T), located in coding exon 13 of the MRE11A gene, results from a G to T substitution at nucleotide position 1516. This changes the amino acid from a glutamic acid to a stop codon within coding exon 13. This alteration is expected to result in loss of function by premature protein truncation or nonsense-mediated mRNA decay. As such, this alteration is interpreted as a disease-causing mutation.

Athena Diagnostics
Classification: Pathogenic. Last evaluated: 2023-11-16. Review status: criteria provided, single submitter. Criteria: Athena Diagnostics Criteria. Collection method: clinical testing. Allele origin: unknown.
Comment: This variant is expected to result in the loss of a functional protein. The frequency of this variant in the general population is consistent with pathogenicity. This variant has been identified in at least one individual with clinical features associated with this gene.

Department of Pathology and Laboratory Medicine, Sinai Health System
Classification: Pathogenic for Ataxia-telangiectasia-like disorder 1. Last evaluated: 2023-01-10. Review status: criteria provided, single submitter. Criteria: ACMG Guidelines, 2015. Collection method: research. Allele origin: germline.

Mendelics
Classification: Pathogenic for Ataxia-telangiectasia-like disorder 1. Last evaluated: 2019-05-28. Review status: criteria provided, single submitter. Criteria: Mendelics Assertion Criteria 2017. Collection method: clinical testing. Allele origin: unknown.

Genesis Genomics
Classification: Pathogenic for Ataxia-telangiectasia-like disorder 1. Review status: criteria provided, single submitter. Criteria: ACMG Guidelines, 2015. Collection method: clinical testing. Allele origin: germline. Affected: yes. Observed: 1 variant allele.

University of Washington Department of Laboratory Medicine, University of Washington
Classification: Uncertain significance for Hereditary cancer-predisposing syndrome. Last evaluated: 2015-11-20. Review status: flagged submission. Criteria: Shirts et al. (Genet Med 2016). Collection method: clinical testing. Allele origin: germline. Observed: 1 variant allele. Not counted in ClinVar's aggregate classification.
ClinVar note: Reason: Older and outlier claim with insufficient supporting evidence

Literature cited by the submitters: PubMed 24763289 (cited by 3 submitters); PubMed 26786923 (cited by 3 submitters); PubMed 26845104 (cited by 3 submitters); PubMed 28125075 (cited by 3 submitters); PubMed 24894818 (cited by Department of Genomics, ADN Uruguay); PubMed 33426167 (cited by 3 submitters); PubMed 23080121 (cited by Labcorp Genetics (formerly Invitae), Labcorp); PubMed 23912341 (cited by Labcorp Genetics (formerly Invitae), Labcorp); PubMed 33510186 (cited by Athena Diagnostics); PubMed 29945567 (cited by Athena Diagnostics); PubMed 32581363 (cited by Athena Diagnostics); PubMed 30625039 (cited by Athena Diagnostics); PubMed 35534704 (cited by Athena Diagnostics); PubMed 28888541 (cited by Athena Diagnostics).

NM_005591.4(MRE11):c.1516G>T (p.Glu506Ter)

Gene: MRE11 (MRE11 double strand break repair nuclease; minus strand). Cytogenetic location: 11q21.
Variant type: single nucleotide variant.
Coding change: c.1516G>T on transcript NM_005591.4 (MANE Select); coding-DNA position 1516, G replaced by T.
Protein change: p.Glu506Ter; replaces glutamic acid 506 with a stop codon.
Molecular consequence: nonsense.
Genome position (GRCh38, 1-based): chr11:94,456,323, C>A on the plus strand (G>T on the coding strand, the complement: MRE11 is on the minus strand). VCF-style: chr11-94456323-C-A. GRCh37 (hg19) VCF-style: chr11-94189489-C-A.
Other names: c.1516G>T, p.Glu506Ter (NM_001330347.2, NM_005590.4); short protein forms E506*.
Identifiers: ClinVar variation 140941 (VCV000140941.66), dbSNP rs587781384, ClinGen allele CA163970.